The following is an entry in ClinVar:

NM_001142784.3(IL11RA):c.811-1G>A

Gene: IL11RA (interleukin 11 receptor subunit alpha; plus strand). Cytogenetic location: 9p13.3.
Variant type: single nucleotide variant.
Coding change: c.811-1G>A on transcript NM_001142784.3 (MANE Select); the canonical splice acceptor site of the intron before coding-DNA position 811, G replaced by A.
Molecular consequence: splice acceptor variant.
Genome position (GRCh38, 1-based): chr9:34,659,758, G>A. VCF-style: chr9-34659758-G-A. GRCh37 (hg19) VCF-style: chr9-34659755-G-A.
Identifiers: ClinVar variation 3355361 (VCV003355361.2).
Genomic context (GRCh38, chr9:34,659,758, plus strand): 5'-TGGTGGCTGGGAAGGCCCTGCACTTACAAGCTGGGTAACAGTGAGTCATGTTTACCCCCA[G>A]GTGGAGCCAGCTGGACTGGAGGAGGTGATCACAGATGCTGTGGCTGGGCTGCCCCATGCT-3'

ClinVar aggregate classification (germline): Pathogenic. Review status: criteria provided, single submitter (1 of 4 stars). 2 submissions from 2 submitters: Pathogenic (1). 1 of the submissions does not count toward it. Last evaluated 2024-10-22.

Conditions:
IL11RA-related disorder. Also called: IL11RA-related condition.

Submissions (2):

GeneDx
Classification: Pathogenic. Last evaluated: 2024-10-22. Review status: criteria provided, single submitter. Criteria: GeneDx Variant Classification Process June 2021. Collection method: clinical testing. Allele origin: germline. Affected: yes.
Comment: Canonical splice site variant predicted to result in a null allele in a gene for which loss of function is a known mechanism of disease; This variant is associated with the following publications: (PMID: 31980526)

PreventionGenetics, part of Exact Sciences
Classification: Likely pathogenic for IL11RA-related condition. Last evaluated: 2024-09-11. Review status: no assertion criteria provided. Collection method: clinical testing. Allele origin: germline. Not counted in ClinVar's aggregate classification.
Comment: The IL11RA c.811-1G>A variant is predicted to disrupt the AG splice acceptor site and interfere with normal splicing. This variant has been reported in the heterozygous state in an individual with unknown phenotype (Dataset S1, Hou et al. 2020. PubMed ID: 31980526). This variant is reported in 0.012% of alleles in individuals of African descent in gnomAD. Variants that disrupt the consensus splice acceptor site in IL11RA are expected to be pathogenic. This variant is interpreted as likely pathogenic.